The following is an entry in ClinVar:

ClinVar aggregate classification (germline): Uncertain significance. Review status: criteria provided, multiple submitters, no conflicts (2 of 4 stars). 2 submissions from 2 submitters: Uncertain significance (2). Last evaluated 2022-10-13.

Conditions:
Inborn genetic diseases. Identifiers: MedGen C0950123, MeSH D030342.

Allele frequency attached by ClinVar (database versions not stated): gnomAD 0.00002; TOPMed 0.00002; ExAC 0.00004; gnomAD exomes 0.00005; 1000 Genomes Project 30x 0.00016; 1000 Genomes Project 0.00020.
gnomAD v4.1: 78 of 1,611,100 alleles (0.0048%); highest among the groups gnomAD compares: South Asian, 0.022%; no homozygotes.

Submissions (2):

Labcorp Genetics (formerly Invitae), Labcorp
Classification: Uncertain significance. Last evaluated: 2022-10-13. Review status: criteria provided, single submitter. Criteria: Invitae Variant Classification Sherloc (09022015). Collection method: clinical testing. Allele origin: germline.
Comment: This sequence change replaces isoleucine, which is neutral and non-polar, with threonine, which is neutral and polar, at codon 319 of the PIGB protein (p.Ile319Thr). This variant is present in population databases (rs573654812, gnomAD 0.02%). This variant has not been reported in the literature in individuals affected with PIGB-related conditions. Advanced modeling of protein sequence and biophysical properties (such as structural, functional, and spatial information, amino acid conservation, physicochemical variation, residue mobility, and thermodynamic stability) performed at Invitae indicates that this missense variant is not expected to disrupt PIGB protein function. In summary, the available evidence is currently insufficient to determine the role of this variant in disease. Therefore, it has been classified as a Variant of Uncertain Significance.

Ambry Genetics
Classification: Uncertain significance for Inborn genetic diseases. Last evaluated: 2022-09-29. Review status: criteria provided, single submitter. Criteria: Ambry Variant Classification Scheme 2023. Collection method: clinical testing. Allele origin: germline.

NM_004855.5(PIGB):c.956T>C (p.Ile319Thr)

Gene: PIGB (phosphatidylinositol glycan anchor biosynthesis class B; plus strand). Cytogenetic location: 15q21.3.
Variant type: single nucleotide variant.
Coding change: c.956T>C on transcript NM_004855.5 (MANE Select); coding-DNA position 956, T replaced by C.
Protein change: p.Ile319Thr; replaces isoleucine 319 with threonine.
Molecular consequence: missense variant.
Genome position (GRCh38, 1-based): chr15:55,340,721, T>C. VCF-style: chr15-55340721-T-C. GRCh37 (hg19) VCF-style: chr15-55632919-T-C.
Other names: short protein forms I319T.
Identifiers: ClinVar variation 1917029 (VCV001917029.3), dbSNP rs573654812, ClinGen allele CA7573973.